The following is an entry in ClinVar:

NM_001145252.3(CFP):c.766G>T (p.Val256Leu)

Gene: CFP (complement factor properdin; minus strand). Cytogenetic location: Xp11.23.
Variant type: single nucleotide variant.
Coding change: c.766G>T on transcript NM_001145252.3 (MANE Select); coding-DNA position 766, G replaced by T.
Protein change: p.Val256Leu; replaces valine 256 with leucine.
Molecular consequence: missense variant.
Genome position (GRCh38, 1-based): chrX:47,627,141, C>A on the plus strand (G>T on the coding strand, the complement: CFP is on the minus strand). VCF-style: chrX-47627141-C-A. GRCh37 (hg19) VCF-style: chrX-47486540-C-A.
Other names: c.766G>T, p.Val256Leu (NM_002621.2); short protein forms V256L.
Identifiers: ClinVar variation 3641486 (VCV003641486.2).

ClinVar aggregate classification (germline): Uncertain significance (1 of 4 stars; one submission).

Submission:

Labcorp Genetics (formerly Invitae), Labcorp
Classification: Uncertain significance. Last evaluated: 2024-02-17. Review status: criteria provided, single submitter. Criteria: Invitae Variant Classification Sherloc (09022015). Collection method: clinical testing. Allele origin: germline.
Comment: This sequence change replaces valine, which is neutral and non-polar, with leucine, which is neutral and non-polar, at codon 256 of the CFP protein (p.Val256Leu). This variant also falls at the last nucleotide of exon 6, which is part of the consensus splice site for this exon. This variant is not present in population databases (gnomAD no frequency). This variant has not been reported in the literature in individuals affected with CFP-related conditions. An algorithm developed to predict the effect of missense changes on protein structure and function (PolyPhen-2) suggests that this variant is likely to be disruptive. Variants that disrupt the consensus splice site are a relatively common cause of aberrant splicing (PMID: 17576681, 9536098). Algorithms developed to predict the effect of sequence changes on RNA splicing suggest that this variant may disrupt the consensus splice site. In summary, the available evidence is currently insufficient to determine the role of this variant in disease. Therefore, it has been classified as a Variant of Uncertain Significance.

Literature cited by the submitters: PubMed 17576681; PubMed 9536098.